The following is an entry in ClinVar:

NM_000522.5(HOXA13):c.67G>A (p.Gly23Ser)

Genes: HOXA13 (homeobox A13; minus strand), LOC107126288 (NUP98-HOXA13 recombination region; plus strand). Cytogenetic location: 7p15.2.
Variant type: single nucleotide variant.
Coding change: c.67G>A on transcript NM_000522.5 (MANE Select); coding-DNA position 67, G replaced by A.
Protein change: p.Gly23Ser; replaces glycine 23 with serine.
Molecular consequence: missense variant.
Genome position (GRCh38, 1-based): chr7:27,200,011, C>T on the plus strand (G>A on the coding strand, the complement: HOXA13 is on the minus strand). VCF-style: chr7-27200011-C-T. GRCh37 (hg19) VCF-style: chr7-27239630-C-T.
Other names: short protein forms G23S.
Identifiers: ClinVar variation 3358798 (VCV003358798.2).
Genomic context (GRCh38, chr7:27,200,011, plus strand): 5'-CTGCAGCCGCCGCCGCCCCTTCCATGTTCTTGTTGAGCTCGTCGGCCACCAGGCCGCCGC[C>T]GTTGTCGTAGAGAAACATGACGGTGGGCTCGATCCAGCGGGGGTGGAGGAGCACGGAGGC-3'
Protein context (NP_000513.2, residues 13-33): EPTVMFLYDN[Gly23Ser]GGLVADELNK

ClinVar aggregate classification (germline): Uncertain significance. Review status: criteria provided, single submitter (1 of 4 stars). 2 submissions from 2 submitters: Uncertain significance (1). 1 of the submissions does not count toward it. Last evaluated 2024-06-04.

Conditions:
Guttmacher syndrome. Identifiers: Orphanet 2957, MedGen C1867801, MONDO:0008301, OMIM 176305.
Hand-foot-genital syndrome (HFG). Also called: Hand-Foot-Uterus Syndrome; HFU syndrome; HFG syndrome. Identifiers: Orphanet 2438, MedGen C1841679, MONDO:0007698, OMIM 140000.
HOXA13-related disorder. Also called: HOXA13-related condition.

Submissions (2):

Fulgent Genetics
Classification: Uncertain significance for Hand-foot-genital syndrome; Guttmacher syndrome. Last evaluated: 2024-06-04. Review status: criteria provided, single submitter. Criteria: ACMG Guidelines, 2015. Collection method: clinical testing. Allele origin: germline.

PreventionGenetics, part of Exact Sciences
Classification: Uncertain significance for HOXA13-related condition. Last evaluated: 2024-08-05. Review status: no assertion criteria provided. Collection method: clinical testing. Allele origin: germline. Not counted in ClinVar's aggregate classification.
Comment: The HOXA13 c.67G>A variant is predicted to result in the amino acid substitution p.Gly23Ser. To our knowledge, this variant has not been reported in the literature. This variant is reported in 0.035% of alleles in individuals of Ashkenazi Jewish descent in gnomAD. At this time, the clinical significance of this variant is uncertain due to the absence of conclusive functional and genetic evidence.